The following is an entry in ClinVar:

ClinVar aggregate classification (germline): Uncertain significance. Review status: criteria provided, multiple submitters, no conflicts (2 of 4 stars). 2 submissions from 2 submitters: Uncertain significance (2). Last evaluated 2025-06-29.

Conditions:
Inborn genetic diseases. Identifiers: MedGen C0950123, MeSH D030342.
Norman-Roberts syndrome (LIS2). Also called: Lissencephaly 2 (Norman-Roberts type). Identifiers: Orphanet 89844, MedGen C0796089, MONDO:0009760, OMIM 257320.
Familial temporal lobe epilepsy 7. Identifiers: Orphanet 101046, MedGen C4225327, MONDO:0014639, OMIM 616436.

Allele frequency attached by ClinVar (database versions not stated): gnomAD exomes below 0.00001; TOPMed below 0.00001; ExAC 0.00001.
gnomAD v4.1: 1 of 1,613,704 alleles (0.000062%); no homozygotes.

Submissions (2):

Ambry Genetics
Classification: Uncertain significance for Inborn genetic diseases. Last evaluated: 2025-06-29. Review status: criteria provided, single submitter. Criteria: Ambry Variant Classification Scheme 2023. Collection method: clinical testing. Allele origin: germline.

Labcorp Genetics (formerly Invitae), Labcorp
Classification: Uncertain significance for Familial temporal lobe epilepsy 7; Norman-Roberts syndrome. Last evaluated: 2021-12-25. Review status: criteria provided, single submitter. Criteria: Invitae Variant Classification Sherloc (09022015). Collection method: clinical testing. Allele origin: germline.
Comment: This sequence change replaces serine, which is neutral and polar, with glycine, which is neutral and non-polar, at codon 103 of the RELN protein (p.Ser103Gly). This variant is present in population databases (rs749901976, gnomAD 0.0009%). This variant has not been reported in the literature in individuals affected with RELN-related conditions. ClinVar contains an entry for this variant (Variation ID: 1043420). Algorithms developed to predict the effect of missense changes on protein structure and function (SIFT, PolyPhen-2, Align-GVGD) all suggest that this variant is likely to be tolerated. In summary, the available evidence is currently insufficient to determine the role of this variant in disease. Therefore, it has been classified as a Variant of Uncertain Significance.

NM_005045.4(RELN):c.307A>G (p.Ser103Gly)

Gene: RELN (reelin; minus strand). Cytogenetic location: 7q22.1.
Variant type: single nucleotide variant.
Coding change: c.307A>G on transcript NM_005045.4 (MANE Select); coding-DNA position 307, A replaced by G.
Protein change: p.Ser103Gly; replaces serine 103 with glycine.
Molecular consequence: missense variant.
Genome position (GRCh38, 1-based): chr7:103,917,105, T>C on the plus strand (A>G on the coding strand, the complement: RELN is on the minus strand). VCF-style: chr7-103917105-T-C. GRCh37 (hg19) VCF-style: chr7-103557552-T-C.
Other names: c.307A>G (NM_005045.3); c.307A>G, p.Ser103Gly (NM_173054.3); short protein forms S103G.
Identifiers: ClinVar variation 1043420 (VCV001043420.9), dbSNP rs749901976, ClinGen allele CA4422634.